The following is an entry in ClinVar:

NM_000320.3(QDPR):c.29C>T (p.Ala10Val)

Genes: QDPR (quinoid dihydropteridine reductase; minus strand), LOC129992304 (ATAC-STARR-seq lymphoblastoid silent region 15310; plus strand). Cytogenetic location: 4p15.32.
Variant type: single nucleotide variant.
Coding change: c.29C>T on transcript NM_000320.3 (MANE Select); coding-DNA position 29, C replaced by T.
Protein change: p.Ala10Val; replaces alanine 10 with valine.
Molecular consequence: missense variant. On other transcripts: non-coding transcript variant (1).
Genome position (GRCh38, 1-based): chr4:17,512,026, G>A on the plus strand (C>T on the coding strand, the complement: QDPR is on the minus strand). VCF-style: chr4-17512026-G-A. GRCh37 (hg19) VCF-style: chr4-17513649-G-A.
Other names: c.29C>T, p.Ala10Val (NM_001306140.2); c.29C>T (NM_000320.2); short protein forms A10V.
Identifiers: ClinVar variation 287243 (VCV000287243.11), dbSNP rs371735382, ClinGen allele CA2868255.

ClinVar aggregate classification (germline): Uncertain significance. Review status: criteria provided, multiple submitters, no conflicts (2 of 4 stars). 4 submissions from 4 submitters: Uncertain significance (4). Last evaluated 2023-11-14.

Conditions:
Inborn genetic diseases. Identifiers: MedGen C0950123, MeSH D030342.
Dihydropteridine reductase deficiency (HPABH4C). Also called: BH4-Deficient Hyperphenylalaninemia C; HYPERPHENYLALANINEMIA, TETRAHYDROBIOPTERIN-DEFICIENT, DUE TO DHPR DEFICIENCY; Hyperphenylalaninemia due to dihydropteridine reductase deficiency; Hyperphenylalaninemia, BH-4-deficient, C; Phenylketonuria type 2; QDPR DEFICIENCY. Identifiers: Orphanet 226, Orphanet 238583, MedGen C0268465, MONDO:0009862, OMIM 261630.

Allele frequency attached by ClinVar (database versions not stated): gnomAD exomes 0.00010 and 0.00007; ExAC 0.00011; ESP Exome Variant Server 0.00009; TOPMed 0.00008; gnomAD 0.00010.
gnomAD v4.1: 163 of 1,605,270 alleles (0.01%); highest among the groups gnomAD compares: Non-Finnish European, 0.013%; no homozygotes.

Submissions (6):

ARUP Laboratories, Molecular Genetics and Genomics, ARUP Laboratories
Classification: Uncertain significance for Dihydropteridine reductase deficiency. Last evaluated: 2023-11-14. Review status: criteria provided, single submitter. Criteria: ARUP Molecular Germline Variant Investigation Process 2024. Collection method: clinical testing. Allele origin: germline.
Comment: Due to limited information, including a lack of clinical and/or functional data and an uninformative population frequency, the clinical significance of this variant is uncertain at this time.

Ambry Genetics
Classification: Uncertain significance for Inborn genetic diseases. Last evaluated: 2023-02-13. Review status: criteria provided, single submitter. Criteria: Ambry Variant Classification Scheme 2023. Collection method: clinical testing. Allele origin: germline.

Labcorp Genetics (formerly Invitae), Labcorp
Classification: Uncertain significance for Dihydropteridine reductase deficiency. Last evaluated: 2022-10-05. Review status: criteria provided, single submitter. Criteria: Invitae Variant Classification Sherloc (09022015). Collection method: clinical testing. Allele origin: germline.
Comment: This sequence change replaces alanine, which is neutral and non-polar, with valine, which is neutral and non-polar, at codon 10 of the QDPR protein (p.Ala10Val). This variant is present in population databases (rs371735382, gnomAD 0.02%). This variant has not been reported in the literature in individuals affected with QDPR-related conditions. ClinVar contains an entry for this variant (Variation ID: 287243). Algorithms developed to predict the effect of missense changes on protein structure and function (SIFT, PolyPhen-2, Align-GVGD) all suggest that this variant is likely to be tolerated. Algorithms developed to predict the effect of sequence changes on RNA splicing suggest that this variant may create or strengthen a splice site. In summary, the available evidence is currently insufficient to determine the role of this variant in disease. Therefore, it has been classified as a Variant of Uncertain Significance.

Eurofins Ntd Llc (ga)
Classification: Uncertain significance. Last evaluated: 2016-04-21. Review status: criteria provided, single submitter. Criteria: EGL Classification Definitions 2015. Collection method: clinical testing. Allele origin: germline. Observed: 1 variant allele, 1 heterozygote.

Dr. Peter K. Rogan Lab, Western University
No classification provided (evidence only). Condition: Thyroid cancer, nonmedullary, 1. Review status: no classification provided. Collection method: in vitro. Allele origin: not applicable. Functional consequence: cryptic splice site. Not counted in ClinVar's aggregate classification.

Dr. Peter K. Rogan Lab, Western University
No classification provided (evidence only). Condition: Thyroid cancer, nonmedullary, 1. Review status: no classification provided. Collection method: in vitro. Allele origin: not applicable. Functional consequence: retained intron. Not counted in ClinVar's aggregate classification.